The following is an entry in ClinVar:

ClinVar aggregate classification (germline): Likely benign (0 of 4 stars; one submission).

Conditions:
KRT1-related disorder. Also called: KRT1-related condition.

gnomAD v4.1: 57 of 1,613,702 alleles (0.0035%); highest among the groups gnomAD compares: Middle Eastern, 0.049%; no homozygotes.

Submission:

PreventionGenetics, part of Exact Sciences
Classification: Likely benign for KRT1-related condition. Last evaluated: 2024-08-02. Review status: no assertion criteria provided. Collection method: clinical testing. Allele origin: germline.
Comment: This variant is classified as likely benign based on ACMG/AMP sequence variant interpretation guidelines (Richards et al. 2015 PMID: 25741868, with internal and published modifications).

NM_006121.4(KRT1):c.144C>T (p.Ser48=)

Gene: KRT1 (keratin 1; minus strand). Cytogenetic location: 12q13.13.
Variant type: single nucleotide variant.
Coding change: c.144C>T on transcript NM_006121.4 (MANE Select); coding-DNA position 144, C replaced by T.
Protein change: p.Ser48=; no amino-acid change (serine 48 retained).
Molecular consequence: synonymous variant.
Genome position (GRCh38, 1-based): chr12:52,680,205, G>A on the plus strand (C>T on the coding strand, the complement: KRT1 is on the minus strand). VCF-style: chr12-52680205-G-A. GRCh37 (hg19) VCF-style: chr12-53073989-G-A.
Identifiers: ClinVar variation 3351202 (VCV003351202.1).
Genomic context (GRCh38, chr12:52,680,205, plus strand): 5'-AACAAGACTCCGACTTCCAAATCCACCACCAGCACCAAAGCTACCACCACCACCACCACA[G>A]CTTGAAAATCTCCCACCACCTCCTCCACTGCGGCGTGTGGAGCTGCTGGTGGTCCTGCGC-3'
Protein context (NP_006112.3, residues 38-58): RSGGGGGRFS[Ser48=]CGGGGGSFGA